The following is an entry in ClinVar:

ClinVar aggregate classification (germline): Uncertain significance (1 of 4 stars; one submission).

Allele frequency attached by ClinVar (database versions not stated): TOPMed below 0.00001.
gnomAD v4.1: 7 of 1,611,198 alleles (0.00043%); highest among the groups gnomAD compares: Non-Finnish European, 0.00059%; no homozygotes.

Submission:

GeneDx
Classification: Uncertain significance. Last evaluated: 2018-01-09. Review status: criteria provided, single submitter. Criteria: GeneDx Variant Classification (06012015). Collection method: clinical testing. Allele origin: germline. Affected: yes.
Comment: A variant of uncertain significance has been identified in the ATP8B1 gene. The D1219N variant has not been published as a pathogenic variant, nor has it been reported as a benign variant to our knowledge. The D1219N variant was not observed in approximately 6,500 individuals of European and African American ancestry in the NHLBI Exome Sequencing Project, indicating it is not a common benign variant in these populations. The D1219N variant is a semi-conservative amino acid substitution, which may impact secondary protein structure as these residues differ in some properties. This substitution occurs at a position that is conserved across species. In silico analysis is inconsistent in its predictions as to whether or not the variant is damaging to the protein structure/function. Therefore, based on the currently available information, it is unclear whether this variant is a pathogenic variant or a rare benign variant.

NM_001374385.1(ATP8B1):c.3655G>A (p.Asp1219Asn)

Genes: ATP8B1 (ATPase phospholipid transporting 8B1; minus strand), ATP8B1-AS1 (ATP8B1 antisense RNA 1; plus strand). Cytogenetic location: 18q21.31.
Variant type: single nucleotide variant.
Coding change: c.3655G>A on transcript NM_001374385.1 (MANE Select); coding-DNA position 3655, G replaced by A.
Protein change: p.Asp1219Asn; replaces aspartic acid 1219 with asparagine.
Molecular consequence: missense variant.
Genome position (GRCh38, 1-based): chr18:57,648,589, C>T on the plus strand (G>A on the coding strand, the complement: ATP8B1 is on the minus strand). VCF-style: chr18-57648589-C-T. GRCh37 (hg19) VCF-style: chr18-55315821-C-T.
Other names: c.3505G>A, p.Asp1169Asn (NM_001374386.1); c.3655G>A, p.Asp1219Asn (NM_005603.6); short protein forms D1219N, D1169N.
Identifiers: ClinVar variation 389738 (VCV000389738.2), dbSNP rs753339861, ClinGen allele CA8973948.
Genomic context (GRCh38, chr18:57,648,589, plus strand): 5'-CCACGATGGCATCAAGCGGCGAGCGCTTCTTGCGGATGCTGCGCCCGGAGGAGATGAGGT[C>T]CGCGTAGCCCCGCTGGTGCGAGAAGGCGTAGGCCGAGCGCCGCGTTGACACGCCCCGGCG-3'
Protein context (NP_001361314.1, residues 1209-1229): YAFSHQRGYA[Asp1219Asn]LISSGRSIRK